The following is an entry in ClinVar:

NM_001430.5(EPAS1):c.2183C>A (p.Pro728His)

Gene: EPAS1 (endothelial PAS domain protein 1; plus strand). Cytogenetic location: 2p21.
Variant type: single nucleotide variant.
Coding change: c.2183C>A on transcript NM_001430.5 (MANE Select); coding-DNA position 2183, C replaced by A.
Protein change: p.Pro728His; replaces proline 728 with histidine.
Molecular consequence: missense variant.
Genome position (GRCh38, 1-based): chr2:46,381,985, C>A. VCF-style: chr2-46381985-C-A. GRCh37 (hg19) VCF-style: chr2-46609124-C-A.
Other names: short protein forms P728H.
Identifiers: ClinVar variation 3508932 (VCV003508932.1).

ClinVar aggregate classification (germline): Uncertain significance (1 of 4 stars; one submission).

Conditions:
Inborn genetic diseases. Identifiers: MedGen C0950123, MeSH D030342.

Submission:

Ambry Genetics
Classification: Uncertain significance for Inborn genetic diseases. Last evaluated: 2024-07-02. Review status: criteria provided, single submitter. Criteria: Ambry Variant Classification Scheme 2023. Collection method: clinical testing. Allele origin: germline.
Comment: The p.P728H variant (also known as c.2183C>A), located in coding exon 14 of the EPAS1 gene, results from a C to A substitution at nucleotide position 2183. The proline at codon 728 is replaced by histidine, an amino acid with similar properties. This amino acid position is conserved. In addition, this alteration is predicted to be tolerated by in silico analysis. Based on the available evidence, the clinical significance of this variant remains unclear.